The following is an entry in ClinVar:

NM_199420.4(POLQ):c.2714A>G (p.His905Arg)

Gene: POLQ (DNA polymerase theta; minus strand). Cytogenetic location: 3q13.33.
Variant type: single nucleotide variant.
Coding change: c.2714A>G on transcript NM_199420.4 (MANE Select); coding-DNA position 2714, A replaced by G.
Protein change: p.His905Arg; replaces histidine 905 with arginine.
Molecular consequence: missense variant.
Genome position (GRCh38, 1-based): chr3:121,490,217, T>C on the plus strand (A>G on the coding strand, the complement: POLQ is on the minus strand). VCF-style: chr3-121490217-T-C. GRCh37 (hg19) VCF-style: chr3-121209064-T-C.
Other names: short protein forms H905R.
Identifiers: ClinVar variation 1795098 (VCV001795098.3), dbSNP rs750484908, ClinGen allele CA2563195.

ClinVar aggregate classification (germline): Uncertain significance (1 of 4 stars; one submission).

Allele frequency attached by ClinVar (database versions not stated): gnomAD exomes below 0.00001; gnomAD 0.00001; ExAC 0.00002; TOPMed 0.00002.
gnomAD v4.1: 5 of 1,614,062 alleles (0.00031%); highest among the groups gnomAD compares: East Asian, 0.011%; no homozygotes.

Submission:

Ambry Genetics
Classification: Uncertain significance. Last evaluated: 2024-08-05. Review status: criteria provided, single submitter. Criteria: Ambry Variant Classification Scheme 2023. Collection method: clinical testing. Allele origin: germline.
Comment: The p.H905R variant (also known as c.2714A>G), located in coding exon 16 of the POLQ gene, results from an A to G substitution at nucleotide position 2714. The histidine at codon 905 is replaced by arginine, an amino acid with highly similar properties. This amino acid position is conserved. In addition, this alteration is predicted to be tolerated by in silico analysis. Since supporting evidence is limited at this time, the clinical significance of this alteration remains unclear.